The following is an entry in ClinVar:

ClinVar aggregate classification (germline): Conflicting classifications of pathogenicity. Review status: criteria provided, conflicting classifications (1 of 4 stars). 2 submissions from 2 submitters: Uncertain significance (1); Likely benign (1). Last evaluated 2024-01-30.

Conditions:
Familial hypobetalipoproteinemia 1. Also called: Hypobetalipoproteinemia, normotriglyceridemic; Acanthocytosis with hypobetalipoproteinemia; APOB-Related Familial Hypobetalipoproteinemia. Identifiers: MedGen C4551990, MONDO:0014252, OMIM 615558.
Hypercholesterolemia, autosomal dominant, type B (FHCL2). Also called: Familial Hypercholesterolemia Type B; HYPERCHOLESTEROLEMIA, FAMILIAL, DUE TO LIGAND-DEFECTIVE APOLIPOPROTEIN B; Familial hypercholesterolemia 2; APOB-Related Familial Hypercholesterolemia, Autosomal Dominant; APOLIPOPROTEIN B-100, FAMILIAL DEFECTIVE; APOLIPOPROTEIN B-100, FAMILIAL LIGAND-DEFECTIVE. Identifiers: MedGen C1704417, MONDO:0007751, OMIM 144010.
Cardiovascular phenotype. Identifiers: MedGen CN230736.

Allele frequency attached by ClinVar (database versions not stated): ExAC 0.00002; gnomAD exomes 0.00002 and 0.00001; TOPMed 0.00002.
gnomAD v4.1: 19 of 1,613,952 alleles (0.0012%); highest among the groups gnomAD compares: Non-Finnish European, 0.0014%; no homozygotes.

Submissions (2):

Labcorp Genetics (formerly Invitae), Labcorp
Classification: Likely benign for Familial hypobetalipoproteinemia 1; Hypercholesterolemia, autosomal dominant, type B. Last evaluated: 2024-01-30. Review status: criteria provided, single submitter. Criteria: Invitae Variant Classification Sherloc (09022015). Collection method: clinical testing. Allele origin: germline.

Ambry Genetics
Classification: Uncertain significance for Cardiovascular phenotype. Last evaluated: 2023-01-01. Review status: criteria provided, single submitter. Criteria: Ambry Variant Classification Scheme 2023. Collection method: clinical testing. Allele origin: germline.
Comment: The p.Y4497H variant (also known as c.13489T>C), located in coding exon 29 of the APOB gene, results from a T to C substitution at nucleotide position 13489. The tyrosine at codon 4497 is replaced by histidine, an amino acid with similar properties. This amino acid position is conserved. In addition, this alteration is predicted to be tolerated by in silico analysis. Since supporting evidence is limited at this time, the clinical significance of this alteration remains unclear.

NM_000384.3(APOB):c.13489T>C (p.Tyr4497His)

Gene: APOB (apolipoprotein B; minus strand). Cytogenetic location: 2p24.1.
Variant type: single nucleotide variant.
Coding change: c.13489T>C on transcript NM_000384.3 (MANE Select); coding-DNA position 13489, T replaced by C.
Protein change: p.Tyr4497His; replaces tyrosine 4497 with histidine.
Molecular consequence: missense variant.
Genome position (GRCh38, 1-based): chr2:21,001,933, A>G on the plus strand (T>C on the coding strand, the complement: APOB is on the minus strand). VCF-style: chr2-21001933-A-G. GRCh37 (hg19) VCF-style: chr2-21224805-A-G.
Other names: short protein forms Y4497H.
Identifiers: ClinVar variation 922613 (VCV000922613.8), dbSNP rs751629013, ClinGen allele CA052973.